The following is an entry in ClinVar:

ClinVar aggregate classification (germline): Pathogenic. Review status: criteria provided, single submitter (1 of 4 stars). 2 submissions from 2 submitters: Pathogenic (1). 1 of the submissions does not count toward it. Last evaluated 2024-08-29.

Conditions:
Bifunctional peroxisomal enzyme deficiency (DBIF). Also called: DBP DEFICIENCY; PBFE DEFICIENCY; D-bifunctional protein deficiency. Identifiers: Orphanet 300, MedGen C0342870, MONDO:0009855, OMIM 261515. Disease mechanism: loss of function.

Submissions (2):

3billion
Classification: Pathogenic for Bifunctional peroxisomal enzyme deficiency. Last evaluated: 2024-08-29. Review status: criteria provided, single submitter. Criteria: ACMG Guidelines, 2015. Collection method: clinical testing. Allele origin: germline. Affected: yes.
Comment: The variant is observed at an extremely low frequency in the gnomAD v4.0.0 dataset (total allele frequency: <0.001%). Predicted Consequence/Location: Frameshift: predicted to result in a loss or disruption of normal protein function through nonsense-mediated decay (NMD) or protein truncation. Multiple pathogenic variants are reported downstream of the variant. The variant has been reported to be associated with HSD17B4 related disorder (ClinVar ID: VCV000370204). Therefore, this variant is classified as Pathogenic according to the recommendation of ACMG/AMP guideline.

Counsyl
Classification: Likely pathogenic for Bifunctional peroxisomal enzyme deficiency. Last evaluated: 2015-12-15. Review status: no assertion criteria provided. Collection method: clinical testing. Allele origin: unknown. Not counted in ClinVar's aggregate classification.

NM_000414.4(HSD17B4):c.1907del (p.Lys636fs)

Gene: HSD17B4 (hydroxysteroid 17-beta dehydrogenase 4; plus strand). Cytogenetic location: 5q23.1.
Variant type: Deletion.
Coding change: c.1907del on transcript NM_000414.4 (MANE Select); coding-DNA position 1907, one base deleted (A; older notation c.1907delA).
Protein change: p.Lys636fs; shifts the reading frame from lysine 636.
Molecular consequence: frameshift variant.
Genome position (GRCh38, 1-based): chr5:119,531,318, A deleted; the last of 3 consecutive A bases (chr5:119,531,316-119,531,318); deleting any one gives the same sequence. VCF-style (leftmost placement, unchanged base first): chr5-119531315-TA-T. GRCh37 (hg19) VCF-style: chr5-118867010-TA-T.
Other names: c.1982del, p.Lys661fs (NM_001199291.3); c.1853del, p.Lys618fs (NM_001199292.2); c.1835del, p.Lys612fs (NM_001292027.2); c.1487del, p.Lys496fs (NM_001292028.2); short protein forms K496fs, K618fs, K661fs, K636fs, K612fs.
Identifiers: ClinVar variation 370204 (VCV000370204.4), dbSNP rs1057516312, ClinGen allele CA16040973.